The following is an entry in ClinVar:

ClinVar aggregate classification (germline): Uncertain significance (1 of 4 stars; one submission).

Conditions:
Hereditary cancer-predisposing syndrome. Also called: Neoplastic Syndromes, Hereditary; Tumor predisposition; Hereditary Cancer Syndrome; Hereditary neoplastic syndrome. Identifiers: Orphanet 140162, MedGen C0027672, MeSH D009386, MONDO:0015356.

gnomAD v4.1: 1 of 1,561,460 alleles (0.000064%); highest among the groups gnomAD compares: Non-Finnish European, 0.000086%; no homozygotes.

Submission:

Ambry Genetics
Classification: Uncertain significance for Hereditary cancer-predisposing syndrome. Last evaluated: 2021-01-22. Review status: criteria provided, single submitter. Criteria: Ambry Variant Classification Scheme 2023. Collection method: clinical testing. Allele origin: germline.
Comment: The p.K997T variant (also known as c.2990A>C), located in coding exon 4 of the MSH6 gene, results from an A to C substitution at nucleotide position 2990. The lysine at codon 997 is replaced by threonine, an amino acid with similar properties. This amino acid position is well conserved in available vertebrate species. In addition, the in silico prediction for this alteration is inconclusive. Since supporting evidence is limited at this time, the clinical significance of this alteration remains unclear.

NM_000179.3(MSH6):c.2990A>C (p.Lys997Thr)

Gene: MSH6 (mutS homolog 6; plus strand). Cytogenetic location: 2p16.3.
Variant type: single nucleotide variant.
Coding change: c.2990A>C on transcript NM_000179.3 (MANE Select); coding-DNA position 2990, A replaced by C.
Protein change: p.Lys997Thr; replaces lysine 997 with threonine.
Molecular consequence: missense variant.
Genome position (GRCh38, 1-based): chr2:47,800,973, A>C. VCF-style: chr2-47800973-A-C. GRCh37 (hg19) VCF-style: chr2-48028112-A-C.
Other names: c.2600A>C, p.Lys867Thr (NM_001281492.2); c.2084A>C, p.Lys695Thr (NM_001281493.2, NM_001281494.2, NM_001406811.1 and 6 more transcripts); c.3086A>C, p.Lys1029Thr (NM_001406795.1, NM_001406802.1); c.2990A>C, p.Lys997Thr (NM_001406796.1, NM_001406798.1, NM_001406800.1 and 2 more transcripts); c.2693A>C, p.Lys898Thr (NM_001406797.1, NM_001406801.1, NM_001406805.1 and 10 more transcripts); c.2465A>C, p.Lys822Thr (NM_001406799.1, NM_001406806.1, NM_001406807.1); c.2912A>C, p.Lys971Thr (NM_001406804.1); c.2996A>C, p.Lys999Thr (NM_001406813.1); and 2 more; short protein forms K867T, K898T, K971T, K312T, K822T, K997T, K999T, K1029T.
Identifiers: ClinVar variation 1798513 (VCV001798513.2), dbSNP rs587780674, ClinGen allele CA346756378.
Genomic context (GRCh38, chr2:47,800,973, plus strand): 5'-ACCAGCTGGAAATTCCTGAGAATTTCACCACTCGCAATTTGCCAGAAGAATACGAGTTGA[A>C]ATCTACCAAGAAGGGCTGTAAACGATACTGGACCAAAACTATTGAAAAGAAGTTGGCTAA-3'
Protein context (NP_000170.1, residues 987-1007): TRNLPEEYEL[Lys997Thr]STKKGCKRYW